The following is an entry in ClinVar:

ClinVar aggregate classification (germline): Benign (0 of 4 stars; one submission).

Conditions:
NCOR2-related disorder. Also called: NCOR2-related condition.

Allele frequency attached by ClinVar (database versions not stated): 1000 Genomes Project 0.08067; 1000 Genomes Project 30x 0.08495; TOPMed 0.11618; ESP Exome Variant Server 0.11926.
gnomAD v4.1: 210,025 of 1,574,702 alleles (13%); highest among the groups gnomAD compares: Non-Finnish European, 14%; 15,190 homozygotes.

Submission:

PreventionGenetics, part of Exact Sciences
Classification: Benign for NCOR2-related condition. Last evaluated: 2019-10-21. Review status: no assertion criteria provided. Collection method: clinical testing. Allele origin: germline.
Comment: This variant is classified as benign based on ACMG/AMP sequence variant interpretation guidelines (Richards et al. 2015 PMID: 25741868, with internal and published modifications).

NM_006312.6(NCOR2):c.2342G>A (p.Gly781Glu)

Gene: NCOR2 (nuclear receptor corepressor 2; minus strand). Cytogenetic location: 12q24.31.
Variant type: single nucleotide variant.
Coding change: c.2342G>A on transcript NM_006312.6 (MANE Select); coding-DNA position 2342, G replaced by A.
Protein change: p.Gly781Glu; replaces glycine 781 with glutamic acid.
Molecular consequence: missense variant.
Genome position (GRCh38, 1-based): chr12:124,372,487, C>T on the plus strand (G>A on the coding strand, the complement: NCOR2 is on the minus strand). VCF-style: chr12-124372487-C-T. GRCh37 (hg19) VCF-style: chr12-124857033-C-T.
Other names: c.2288G>A, p.Gly763Glu (NM_001077261.4, NM_001206654.2); short protein forms G763E, G781E.
Identifiers: ClinVar variation 3058956 (VCV003058956.2), dbSNP rs7978237, ClinGen allele CA6869089.